The following is an entry in ClinVar:

NM_005475.3(SH2B3):c.714G>T (p.Glu238Asp)

Gene: SH2B3 (SH2B adaptor protein 3; plus strand). Cytogenetic location: 12q24.12.
Variant type: single nucleotide variant.
Coding change: c.714G>T on transcript NM_005475.3 (MANE Select); coding-DNA position 714, G replaced by T.
Protein change: p.Glu238Asp; replaces glutamic acid 238 with aspartic acid.
Molecular consequence: missense variant.
Genome position (GRCh38, 1-based): chr12:111,418,859, G>T. VCF-style: chr12-111418859-G-T. GRCh37 (hg19) VCF-style: chr12-111856663-G-T.
Other names: short protein forms E238D.
Identifiers: ClinVar variation 3440804 (VCV003440804.1).
Genomic context (GRCh38, chr12:111,418,859, plus strand): 5'-GCGCGGGAGGCTGGCGCTGCGCCGGGCCCCGGGCCCCGATGGCCCCGACCGCGTGCTGGA[G>T]CTCTTCGACCCACCCAAGGTAAGTAAGCCCTGCCCGCGGGGTTGCGCACTGCACTGCGCC-3'
Protein context (NP_005466.1, residues 228-248): PGPDGPDRVL[Glu238Asp]LFDPPKSSRP

ClinVar aggregate classification (germline): Uncertain significance (1 of 4 stars; one submission).

Conditions:
Inborn genetic diseases. Identifiers: MedGen C0950123, MeSH D030342.

Submission:

Ambry Genetics
Classification: Uncertain significance for Inborn genetic diseases. Last evaluated: 2024-11-28. Review status: criteria provided, single submitter. Criteria: Ambry Variant Classification Scheme 2023. Collection method: clinical testing. Allele origin: germline.
Comment: The p.E238D variant (also known as c.714G>T), located in coding exon 1 of the SH2B3 gene, results from a G to T substitution at nucleotide position 714. The glutamic acid at codon 238 is replaced by aspartic acid, an amino acid with highly similar properties. This amino acid position is conserved. In addition, this alteration is predicted to be tolerated by in silico analysis. Based on the available evidence, the clinical significance of this variant remains unclear.